The following is an entry in ClinVar:

NM_000094.4(COL7A1):c.6528del (p.Gly2177fs)

Gene: COL7A1 (collagen type VII alpha 1 chain; minus strand). Cytogenetic location: 3p21.31.
Variant type: Deletion.
Coding change: c.6528del on transcript NM_000094.4 (MANE Select); coding-DNA position 6528, one base deleted (T; older notation c.6528delT).
Protein change: p.Gly2177fs; shifts the reading frame from glycine 2177.
Molecular consequence: frameshift variant.
Genome position (GRCh38, 1-based): chr3:48,573,864, A deleted on the plus strand (T on the coding strand, the reverse complement: COL7A1 is on the minus strand). VCF-style (leftmost placement, unchanged base first): chr3-48573863-CA-C. GRCh37 (hg19) VCF-style: chr3-48611296-CA-C.
Other names: c.6528delT (NM_000094.3); short protein forms G2177fs.
Identifiers: ClinVar variation 858020 (VCV000858020.7), dbSNP rs1477977704, ClinGen allele CA542790418.
Genomic context (GRCh38, chr3:48,573,863, plus strand): 5'-GGGGCAGGGCACAGGATGGGGGCAAGACAGGTGAAGGTTCTTGGGTACTCACCACTGGGC[CA>C]GGGGGGCCTCTTGGACCCTGCAGACCCTACATAGAGAGGGCACTGATGAGCCTCAATCTG-3'

ClinVar aggregate classification (germline): Pathogenic. Review status: criteria provided, multiple submitters, no conflicts (2 of 4 stars). 2 submissions from 2 submitters: Pathogenic (2). Last evaluated 2025-02-20.

Conditions:
Epidermolysis bullosa dystrophica. Also called: Dystrophic epidermolysis bullosa, Hallopeau-Siemens type (formerly); Dystrophic epidermolysis bullosa. Identifiers: Orphanet 303, MedGen C0079294, MONDO:0006543.

Allele frequency attached by ClinVar (database versions not stated): gnomAD exomes below 0.00001; TOPMed below 0.00001; gnomAD 0.00001.

Submissions (2):

Natera, Inc.
Classification: Pathogenic for Dystrophic epidermolysis bullosa. Last evaluated: 2025-02-20. Review status: criteria provided, single submitter. Criteria: Natera Variant Classification Schema (03/2026). Collection method: clinical testing. Allele origin: germline.
Comment: The c.6528delT variant in COL7A1 is a frameshift variant predicted to shift the reading frame beginning at codon 2177 and leads to a stop codon 29 codons downstream. This variant is expected to result in nonsense mediated decay, truncation, or a dysfunctional protein product. This variant is rare in the general population with a frequency below the threshold expected for the associated phenotype(s). This variant has been observed in one or more individuals affected with the associated recessive disease, as either homozygous or compound heterozygous with a second variant (PMID: 32484238, 35347281). Given the available evidence, this variant is classified as Pathogenic.

Labcorp Genetics (formerly Invitae), Labcorp
Classification: Pathogenic. Last evaluated: 2023-10-22. Review status: criteria provided, single submitter. Criteria: Invitae Variant Classification Sherloc (09022015). Collection method: clinical testing. Allele origin: germline.
Comment: This sequence change creates a premature translational stop signal (p.Gly2177Alafs*29) in the COL7A1 gene. It is expected to result in an absent or disrupted protein product. Loss-of-function variants in COL7A1 are known to be pathogenic (PMID: 16971478). This variant is present in population databases (no rsID available, gnomAD 0.003%). This variant has not been reported in the literature in individuals affected with COL7A1-related conditions. ClinVar contains an entry for this variant (Variation ID: 858020). For these reasons, this variant has been classified as Pathogenic.

Literature cited by the submitters: PubMed 32484238 (cited by Natera, Inc.); PubMed 35347281 (cited by Natera, Inc.); PubMed 16971478 (cited by Labcorp Genetics (formerly Invitae), Labcorp).